The following is an entry in ClinVar:

ClinVar aggregate classification (germline): Pathogenic (1 of 4 stars; one submission).

Conditions:
Seizures, benign familial infantile, 3 (BFIS3). Also called: Familial neonatal seizures; CONVULSIONS, BENIGN FAMILIAL INFANTILE, 3. Identifiers: Orphanet 140927, Orphanet 306, MedGen C1843140, MONDO:0011904, OMIM 607745.
Developmental and epileptic encephalopathy, 11 (DEE11). Also called: Early infantile epileptic encephalopathy 11. Identifiers: Orphanet 1934, MedGen C3150987, MONDO:0013388, OMIM 613721.
Complex neurodevelopmental disorder. Identifiers: Orphanet 528084, MedGen C5568766, MONDO:0100038.

Submission:

Labcorp Genetics (formerly Invitae), Labcorp
Classification: Pathogenic for Seizures, benign familial infantile, 3; Developmental and epileptic encephalopathy, 11. Last evaluated: 2019-08-07. Review status: criteria provided, single submitter. Criteria: Invitae Variant Classification Sherloc (09022015). Collection method: clinical testing. Allele origin: germline.
Comment: Experimental studies and prediction algorithms are not available for this variant, and the functional significance of the affected amino acid(s) is currently unknown. This variant disrupts the p.Ala1773Thr amino acid residue in SCN2A. Other variant(s) that disrupt this residue have been determined to be pathogenic (Invitae). This suggests that this residue is clinically significant, and that variants that disrupt this residue are likely to be disease-causing. For these reasons, this variant has been classified as Pathogenic. This sequence change results in a premature translational stop signal in the SCN2A gene (p.Ile1615Argfs*47). While this is not anticipated to result in nonsense mediated decay, it is expected to disrupt the last amino 391 acids of the SCN2A protein. This variant is not present in population databases (ExAC no frequency).

NM_001040142.2(SCN2A):c.4844_4845del (p.Ile1615fs)

Gene: SCN2A (sodium voltage-gated channel alpha subunit 2; plus strand). Cytogenetic location: 2q24.3.
Variant type: Deletion.
Coding change: c.4844_4845del on transcript NM_001040142.2 (MANE Select); coding-DNA positions 4844 to 4845, 2 bases deleted (TA; older notation c.4844_4845delTA).
Protein change: p.Ile1615fs; shifts the reading frame from isoleucine 1615.
Molecular consequence: frameshift variant.
Genome position (GRCh38, 1-based): chr2:165,388,650-165,388,651, TA deleted; deleting any 2 consecutive bases within chr2:165,388,649-165,388,651 gives the same sequence; the c. name uses the placement nearest the transcript's 3' end. VCF-style (leftmost placement, unchanged base first): chr2-165388648-GAT-G. GRCh37 (hg19) VCF-style: chr2-166245158-GAT-G.
Other names: c.4844_4845delTA (NM_021007.2); c.4844_4845del, p.Ile1615fs (NM_001040143.2, NM_001371246.1, NM_001371247.1 and 1 more transcripts); short protein forms I1615fs.
Identifiers: ClinVar variation 650150 (VCV000650150.13), dbSNP rs1574751309, ClinGen allele CA915942931.